The following is an entry in ClinVar:

ClinVar aggregate classification (germline): Uncertain significance (1 of 4 stars; one submission).

Conditions:
Deficiency of aromatic-L-amino-acid decarboxylase. Also called: Aromatic amino acid decarboxylase deficiency; AADC DEFICIENCY; DDC DEFICIENCY; DOPA DECARBOXYLASE DEFICIENCY; Aromatic L-Amino Acid Decarboxylase Deficiency. Identifiers: Orphanet 35708, MedGen C1291564, MONDO:0012084, OMIM 608643.

Allele frequency attached by ClinVar (database versions not stated): gnomAD exomes below 0.00001.
gnomAD v4.1: 2 of 1,613,764 alleles (0.00012%); highest among the groups gnomAD compares: Non-Finnish European, 0.000085%; no homozygotes.

Submission:

Labcorp Genetics (formerly Invitae), Labcorp
Classification: Uncertain significance for Deficiency of aromatic-L-amino-acid decarboxylase. Last evaluated: 2022-08-09. Review status: criteria provided, single submitter. Criteria: Invitae Variant Classification Sherloc (09022015). Collection method: clinical testing. Allele origin: germline.
Comment: In summary, the available evidence is currently insufficient to determine the role of this variant in disease. Therefore, it has been classified as a Variant of Uncertain Significance. Algorithms developed to predict the effect of missense changes on protein structure and function are either unavailable or do not agree on the potential impact of this missense change (SIFT: "Deleterious"; PolyPhen-2: "Probably Damaging"; Align-GVGD: "Class C15"). This missense change has been observed in individual(s) with clinical features of aromatic L-amino acid decarboxylase deficiency (PMID: 32369189). This variant is not present in population databases (gnomAD no frequency). This sequence change replaces threonine, which is neutral and polar, with isoleucine, which is neutral and non-polar, at codon 245 of the DDC protein (p.Thr245Ile).

Literature cited by the submitters: PubMed 32369189.

NM_001082971.2(DDC):c.734C>T (p.Thr245Ile)

Gene: DDC (dopa decarboxylase; minus strand). Cytogenetic location: 7p12.1.
Variant type: single nucleotide variant.
Coding change: c.734C>T on transcript NM_001082971.2 (MANE Select); coding-DNA position 734, C replaced by T.
Protein change: p.Thr245Ile; replaces threonine 245 with isoleucine.
Molecular consequence: missense variant.
Genome position (GRCh38, 1-based): chr7:50,504,040, G>A on the plus strand (C>T on the coding strand, the complement: DDC is on the minus strand). VCF-style: chr7-50504040-G-A. GRCh37 (hg19) VCF-style: chr7-50571738-G-A.
Other names: c.734C>T, p.Thr245Ile (NM_000790.4, NM_001242890.2); c.590C>T, p.Thr197Ile (NM_001242887.2); c.500C>T, p.Thr167Ile (NM_001242888.2); c.455C>T, p.Thr152Ile (NM_001242889.2); c.620C>T, p.Thr207Ile (NM_001242886.2); short protein forms T152I, T167I, T197I, T207I, T245I.
Identifiers: ClinVar variation 1929398 (VCV001929398.3), dbSNP rs2535229590, ClinGen allele CA367539053.